The following is an entry in ClinVar:

NM_002424.3(MMP8):c.1041C>T (p.Asn347=)

Gene: MMP8 (matrix metallopeptidase 8; minus strand). Cytogenetic location: 11q22.2.
Variant type: single nucleotide variant.
Coding change: c.1041C>T on transcript NM_002424.3 (MANE Select); coding-DNA position 1041, C replaced by T.
Protein change: p.Asn347=; no amino-acid change (asparagine 347 retained).
Molecular consequence: synonymous variant.
Genome position (GRCh38, 1-based): chr11:102,714,705, G>A on the plus strand (C>T on the coding strand, the complement: MMP8 is on the minus strand). VCF-style: chr11-102714705-G-A. GRCh37 (hg19) VCF-style: chr11-102585436-G-A.
Other names: c.972C>T, p.Asn324= (NM_001304441.2, NM_001304442.2).
Identifiers: ClinVar variation 2642320 (VCV002642320.24), dbSNP rs2496370117, ClinGen allele CA476566119.

ClinVar aggregate classification (germline): Likely benign (1 of 4 stars; one submission).

Allele frequency attached by ClinVar (database versions not stated): gnomAD exomes below 0.00001.

Submission:

CeGaT Center for Human Genetics Tuebingen
Classification: Likely benign. Last evaluated: 2022-04-01. Review status: criteria provided, single submitter. Criteria: CeGaT Center For Human Genetics Tuebingen Variant Classification Criteria Version 2. Collection method: clinical testing. Allele origin: germline. Affected: yes. Observed: 1 variant allele.
Comment: MMP8: PM2:Supporting, BP4, BP7